The following is an entry in ClinVar:

NM_000038.6(APC):c.221A>C (p.Glu74Ala)

Gene: APC (APC regulator of Wnt signaling pathway; plus strand). Cytogenetic location: 5q22.2.
Variant type: single nucleotide variant.
Coding change: c.221A>C on transcript NM_000038.6 (MANE Select); coding-DNA position 221, A replaced by C.
Protein change: p.Glu74Ala; replaces glutamic acid 74 with alanine.
Molecular consequence: missense variant. On other transcripts: 5 prime UTR variant (1).
Genome position (GRCh38, 1-based): chr5:112,767,189, A>C. VCF-style: chr5-112767189-A-C. GRCh37 (hg19) VCF-style: chr5-112102886-A-C.
Other names: c.221A>C, p.Glu74Ala (NM_001127510.3, NM_001354895.2, NM_001354896.2 and 2 more transcripts); c.251A>C, p.Glu84Ala (NM_001127511.3, NM_001354897.2, NM_001354902.2); c.146A>C, p.Glu49Ala (NM_001354898.2, NM_001354904.2); c.44A>C, p.Glu15Ala (NM_001354900.2, NM_001354901.2, NM_001354905.2); c.-815A>C (NM_001354906.2); short protein forms E74A, E84A, E49A, E15A.
Identifiers: ClinVar variation 419952 (VCV000419952.30), dbSNP rs773347338, ClinGen allele CA031365.

ClinVar aggregate classification (germline): Conflicting classifications of pathogenicity. Review status: criteria provided, conflicting classifications (1 of 4 stars). 5 submissions from 5 submitters: Uncertain significance (3); Benign (1); Likely benign (1). Last evaluated 2026-01-21.

Conditions:
Hereditary cancer-predisposing syndrome. Also called: Hereditary neoplastic syndrome; Tumor predisposition; Neoplastic Syndromes, Hereditary; Hereditary Cancer Syndrome. Identifiers: Orphanet 140162, MedGen C0027672, MeSH D009386, MONDO:0015356.
Familial adenomatous polyposis 1 (FAP1). Also called: FAMILIAL ADENOMATOUS POLYPOSIS 1, ATTENUATED; POLYPOSIS, ADENOMATOUS INTESTINAL. Identifiers: MedGen C2713442, MONDO:0021056, OMIM 175100. Disease mechanism: loss of function.

Allele frequency attached by ClinVar (database versions not stated): gnomAD 0.00001; TOPMed 0.00001; gnomAD exomes 0.00002; ExAC 0.00003.
gnomAD v4.1: 9 of 1,612,188 alleles (0.00056%); highest among the groups gnomAD compares: Middle Eastern, 0.099%; no homozygotes.

Submissions (5):

Labcorp Genetics (formerly Invitae), Labcorp
Classification: Benign for Familial adenomatous polyposis 1. Last evaluated: 2026-01-21. Review status: criteria provided, single submitter. Criteria: Invitae Variant Classification Sherloc (09022015). Collection method: clinical testing. Allele origin: germline.

Ambry Genetics
Classification: Uncertain significance for Hereditary cancer-predisposing syndrome. Last evaluated: 2025-10-28. Review status: criteria provided, single submitter. Criteria: Ambry Variant Classification Scheme 2023. Collection method: clinical testing. Allele origin: germline.
Comment: The p.E74A variant (also known as c.221A>C) is located in coding exon 3 of the APC gene. The glutamic acid at codon 74 is replaced by alanine, an amino acid with dissimilar properties. This change occurs in the first base pair of coding exon 3. This amino acid position is highly conserved in available vertebrate species. This variant was reported in individual(s) with features consistent with APC-related familial adenomatous polyposis (Ambry internal data). Missense alterations in APC are not a common cause of disease (Spier I et al. Genet Med. 2024 Feb;26(2):100992). In addition, in silico predictors for this gene do not accurately predict pathogenicity. Based on the available evidence, the clinical significance of this variant remains unclear.

Quest Diagnostics Nichols Institute San Juan Capistrano
Classification: Uncertain significance. Last evaluated: 2025-08-13. Review status: criteria provided, single submitter. Criteria: Quest Diagnostics criteria. Collection method: clinical testing. Allele origin: unknown.
Comment: The APC c.221A>C (p.Glu74Ala) variant has not been reported in individuals with APC-related conditions in the published literature. The frequency of this variant in the general population (Genome Aggregation Database) is uninformative in the assessment of its pathogenicity. Analysis of this variant using bioinformatics tools for the prediction of the effect of amino acid changes on protein structure and function yielded conflicting predictions that this variant is deleterious or benign. Based on the available information, we are unable to determine the clinical significance of this variant.

Color Diagnostics, LLC DBA Color Health
Classification: Uncertain significance for Hereditary cancer-predisposing syndrome. Last evaluated: 2024-03-26. Review status: criteria provided, single submitter. Criteria: ACMG Guidelines, 2015. Collection method: clinical testing. Allele origin: germline.
Comment: This missense variant replaces glutamic acid with alanine at codon 74 of the APC protein. Computational prediction suggests that this variant may not impact protein structure and function (internally defined REVEL score threshold <= 0.5, PMID: 27666373). To our knowledge, functional studies have not been reported for this variant. This variant has not been reported in individuals affected with APC-related disorders in the literature. This variant has been identified in 6/251200 chromosomes in the general population by the Genome Aggregation Database (gnomAD). The available evidence is insufficient to determine the role of this variant in disease conclusively. Therefore, this variant is classified as a Variant of Uncertain Significance.

GeneDx
Classification: Likely benign. Last evaluated: 2019-01-31. Review status: criteria provided, single submitter. Criteria: GeneDx Variant Classification Process June 2021. Collection method: clinical testing. Allele origin: germline. Affected: yes.